The following is an entry in ClinVar:

NM_002485.5(NBN):c.2204_2208del (p.Lys735fs)

Gene: NBN (nibrin; minus strand). Cytogenetic location: 8q21.3.
Variant type: Deletion.
Coding change: c.2204_2208del on transcript NM_002485.5 (MANE Select); coding-DNA positions 2204 to 2208, 5 bases deleted (AAGAA; older notation c.2204_2208delAAGAA).
Protein change: p.Lys735fs; shifts the reading frame from lysine 735.
Molecular consequence: frameshift variant.
Genome position (GRCh38, 1-based): chr8:89,937,052-89,937,056, TTCTT deleted on the plus strand (AAGAA on the coding strand, the reverse complement: NBN is on the minus strand); deleting any 5 consecutive bases within chr8:89,937,052-89,937,058 gives the same sequence; the c. name uses the placement nearest the transcript's 3' end. VCF-style (leftmost placement, unchanged base first): chr8-89937051-CTTCTT-C. GRCh37 (hg19) VCF-style: chr8-90949279-CTTCTT-C.
Other names: c.1958_1962del, p.Lys653fs (NM_001024688.3); short protein forms K735fs, K653fs.
Identifiers: ClinVar variation 1503796 (VCV001503796.3), dbSNP rs2130739278, ClinGen allele CA2573143325.

ClinVar aggregate classification (germline): Uncertain significance (1 of 4 stars; one submission).

Conditions:
Microcephaly, normal intelligence and immunodeficiency (NBS). Also called: BERLIN BREAKAGE SYNDROME; SEEMANOVA SYNDROME II; Immunodeficiency, microcephaly with normal intelligence; Ataxia telangiectasia variant V1; Nijmegen breakage syndrome; IMMUNODEFICIENCY, MICROCEPHALY, AND CHROMOSOMAL INSTABILITY. Identifiers: Orphanet 647, MedGen C0398791, MONDO:0009623, OMIM 251260.

Submission:

Labcorp Genetics (formerly Invitae), Labcorp
Classification: Uncertain significance for Microcephaly, normal intelligence and immunodeficiency. Last evaluated: 2022-09-13. Review status: criteria provided, single submitter. Criteria: Invitae Variant Classification Sherloc (09022015). Collection method: clinical testing. Allele origin: germline.
Comment: This sequence change creates a premature translational stop signal (p.Lys735Argfs*5) in the NBN gene. While this is not anticipated to result in nonsense mediated decay, it is expected to disrupt the last 20 amino acid(s) of the NBN protein. This variant is not present in population databases (gnomAD no frequency). This variant has not been reported in the literature in individuals affected with NBN-related conditions. ClinVar contains an entry for this variant (Variation ID: 1503796). Experimental studies and prediction algorithms are not available or were not evaluated, and the functional significance of this variant is currently unknown. Algorithms developed to predict the effect of sequence changes on RNA splicing suggest that this variant may disrupt the consensus splice site. In summary, the available evidence is currently insufficient to determine the role of this variant in disease. Therefore, it has been classified as a Variant of Uncertain Significance.